The following is an entry in ClinVar:

ClinVar aggregate classification (germline): Uncertain significance. Review status: criteria provided, multiple submitters, no conflicts (2 of 4 stars). 2 submissions from 2 submitters: Uncertain significance (2). Last evaluated 2026-02-17.

Conditions:
Inborn genetic diseases. Identifiers: MedGen C0950123, MeSH D030342.

gnomAD v4.1: 12 of 1,604,934 alleles (0.00075%); highest among the groups gnomAD compares: Non-Finnish European, 0.001%; no homozygotes.

Submissions (2):

GeneDx
Classification: Uncertain significance. Last evaluated: 2026-02-17. Review status: criteria provided, single submitter. Criteria: GeneDx Variant Classification Process June 2021. Collection method: clinical testing. Allele origin: germline.
Comment: Not observed at significant frequency in large population cohorts (gnomAD); In silico analysis supports that this missense variant has a deleterious effect on protein structure/function; Has not been previously reported as pathogenic or benign in association with CUBN-related disorders to our knowledge; This variant is associated with the following publications: (PMID: 36484990)

Ambry Genetics
Classification: Uncertain significance for Inborn genetic diseases. Last evaluated: 2024-09-30. Review status: criteria provided, single submitter. Criteria: Ambry Variant Classification Scheme 2023. Collection method: clinical testing. Allele origin: germline.

NM_001081.4(CUBN):c.4861G>A (p.Gly1621Arg)

Gene: CUBN (cubilin; minus strand). Cytogenetic location: 10p13.
Variant type: single nucleotide variant.
Coding change: c.4861G>A on transcript NM_001081.4 (MANE Select); coding-DNA position 4861, G replaced by A.
Protein change: p.Gly1621Arg; replaces glycine 1621 with arginine.
Molecular consequence: missense variant.
Genome position (GRCh38, 1-based): chr10:16,952,384, C>T on the plus strand (G>A on the coding strand, the complement: CUBN is on the minus strand). VCF-style: chr10-16952384-C-T. GRCh37 (hg19) VCF-style: chr10-16994383-C-T.
Other names: short protein forms G1621R.
Identifiers: ClinVar variation 3498563 (VCV003498563.2).